The following is an entry in ClinVar:

NM_001009944.3(PKD1):c.7875C>T (p.Ala2625=)

Gene: PKD1 (polycystin 1, transient receptor potential channel interacting; minus strand). Cytogenetic location: 16p13.3.
Variant type: single nucleotide variant.
Coding change: c.7875C>T on transcript NM_001009944.3 (MANE Select); coding-DNA position 7875, C replaced by T.
Protein change: p.Ala2625=; no amino-acid change (alanine 2625 retained).
Molecular consequence: synonymous variant.
Genome position (GRCh38, 1-based): chr16:2,105,463, G>A on the plus strand (C>T on the coding strand, the complement: PKD1 is on the minus strand). VCF-style: chr16-2105463-G-A. GRCh37 (hg19) VCF-style: chr16-2155464-G-A.
Other names: c.7875C>T, p.Ala2625= (NM_000296.4).
Identifiers: ClinVar variation 4989446 (VCV004989446.1).
Genomic context (GRCh38, chr16:2,105,463, plus strand): 5'-GTTCTTGCGTATCTGGGCTCGGTGCTGCCGCTCGTGCTTGGGCTCTGCCGCCACGTCCAG[G>A]GCCCGCTCGTACTGGGGCAGGCAGGGGGCACAGCAAGCTGTCAGCAGCGCAGGAGGCCGG-3'
Protein context (NP_001009944.3, residues 2615-2635): LVTVLNEYER[Ala2625=]LDVAAEPKHE

ClinVar aggregate classification (germline): Likely benign (1 of 4 stars; one submission).

Conditions:
PKD1-related disorder. Also called: PKD1-related condition.

gnomAD v4.1: 12 of 1,594,500 alleles (0.00075%); highest among the groups gnomAD compares: Admixed American, 0.015%; no homozygotes.

Submission:

PreventionGenetics, part of Exact Sciences
Classification: Likely benign for PKD1-related condition. Last evaluated: 2026-09-22. Review status: criteria provided, single submitter. Criteria: ACMG Guidelines, 2015. Collection method: clinical testing. Allele origin: germline.
Comment: This variant is classified as likely benign based on ACMG/AMP sequence variant interpretation guidelines (Richards et al. 2015 PMID: 25741868, with internal and published modifications).